The following is an entry in ClinVar:

NM_004999.4(MYO6):c.91A>G (p.Ile31Val)

Gene: MYO6 (myosin VI; plus strand). Cytogenetic location: 6q14.1.
Variant type: single nucleotide variant.
Coding change: c.91A>G on transcript NM_004999.4 (MANE Select); coding-DNA position 91, A replaced by G.
Protein change: p.Ile31Val; replaces isoleucine 31 with valine.
Molecular consequence: missense variant. On other transcripts: non-coding transcript variant (2).
Genome position (GRCh38, 1-based): chr6:75,817,638, A>G. VCF-style: chr6-75817638-A-G. GRCh37 (hg19) VCF-style: chr6-76527355-A-G.
Other names: c.91A>G, p.Ile31Val (NM_001300899.2, NM_001368136.1, NM_001368137.1 and 5 more transcripts); short protein forms I31V.
Identifiers: ClinVar variation 1479136 (VCV001479136.8), dbSNP rs775035511, ClinGen allele CA3896715.

ClinVar aggregate classification (germline): Uncertain significance (1 of 4 stars; one submission).

Allele frequency attached by ClinVar (database versions not stated): ExAC 0.00001; gnomAD exomes 0.00002; gnomAD 0.00003 and 0.00004; TOPMed 0.00003.
gnomAD v4.1: 36 of 1,614,056 alleles (0.0022%); highest among the groups gnomAD compares: Middle Eastern, 0.033%; no homozygotes.

Submission:

Labcorp Genetics (formerly Invitae), Labcorp
Classification: Uncertain significance. Last evaluated: 2022-03-02. Review status: criteria provided, single submitter. Criteria: Invitae Variant Classification Sherloc (09022015). Collection method: clinical testing. Allele origin: germline.
Comment: In summary, the available evidence is currently insufficient to determine the role of this variant in disease. Therefore, it has been classified as a Variant of Uncertain Significance. Algorithms developed to predict the effect of missense changes on protein structure and function are either unavailable or do not agree on the potential impact of this missense change (SIFT: "Tolerated"; PolyPhen-2: "Not Available"; Align-GVGD: "Class C0"). This variant has not been reported in the literature in individuals affected with MYO6-related conditions. This variant is present in population databases (rs775035511, gnomAD 0.01%). This sequence change replaces isoleucine, which is neutral and non-polar, with valine, which is neutral and non-polar, at codon 31 of the MYO6 protein (p.Ile31Val).